The following is an entry in ClinVar:

ClinVar aggregate classification (germline): Uncertain significance (1 of 4 stars; one submission).

Submission:

Labcorp Genetics (formerly Invitae), Labcorp
Classification: Uncertain significance. Last evaluated: 2025-12-24. Review status: criteria provided, single submitter. Criteria: Invitae Variant Classification Sherloc (09022015). Collection method: clinical testing. Allele origin: germline.
Comment: This sequence change replaces glutamine, which is neutral and polar, with histidine, which is basic and polar, at codon 166 of the SLC25A21 protein (p.Gln166His). This variant is not present in population databases (gnomAD no frequency). This variant has not been reported in the literature in individuals affected with SLC25A21-related conditions. Invitae Evidence Modeling of protein sequence and biophysical properties (such as structural, functional, and spatial information, amino acid conservation, physicochemical variation, residue mobility, and thermodynamic stability) indicates that this missense variant is not expected to disrupt SLC25A21 protein function with a negative predictive value of 80%. In summary, the available evidence is currently insufficient to determine the role of this variant in disease. Therefore, it has been classified as a Variant of Uncertain Significance.

NM_030631.4(SLC25A21):c.498G>C (p.Gln166His)

Gene: SLC25A21 (solute carrier family 25 member 21; minus strand). Cytogenetic location: 14q13.3.
Variant type: single nucleotide variant.
Coding change: c.498G>C on transcript NM_030631.4 (MANE Select); coding-DNA position 498, G replaced by C.
Protein change: p.Gln166His; replaces glutamine 166 with histidine.
Molecular consequence: missense variant.
Genome position (GRCh38, 1-based): chr14:36,711,423, C>G on the plus strand (G>C on the coding strand, the complement: SLC25A21 is on the minus strand). VCF-style: chr14-36711423-C-G. GRCh37 (hg19) VCF-style: chr14-37180628-C-G.
Other names: c.498G>C, p.Gln166His (NM_001171170.2); short protein forms Q166H.
Identifiers: ClinVar variation 4779760 (VCV004779760.1).